The following is an entry in ClinVar:

NM_001354761.2(ADD1):c.129A>G (p.Pro43=)

Gene: ADD1 (adducin 1; plus strand). Cytogenetic location: 4p16.3.
Variant type: single nucleotide variant.
Coding change: c.129A>G on transcript NM_001354761.2 (MANE Select); coding-DNA position 129, A replaced by G.
Protein change: p.Pro43=; no amino-acid change (proline 43 retained).
Molecular consequence: synonymous variant.
Genome position (GRCh38, 1-based): chr4:2,876,044, A>G. VCF-style: chr4-2876044-A-G. GRCh37 (hg19) VCF-style: chr4-2877771-A-G.
Other names: c.129A>G, p.Pro43= (NM_001119.5, NM_001286645.2, NM_001354754.2 and 9 more transcripts).
Identifiers: ClinVar variation 3033151 (VCV003033151.2), dbSNP rs146519461, ClinGen allele CA2819706.

ClinVar aggregate classification (germline): Likely benign (0 of 4 stars; one submission).

Conditions:
ADD1-related disorder. Also called: ADD1-related condition.

Allele frequency attached by ClinVar (database versions not stated): ESP Exome Variant Server 0.00077; 1000 Genomes Project 0.00200; 1000 Genomes Project 30x 0.00219.
gnomAD v4.1: 925 of 1,614,168 alleles (0.057%); highest among the groups gnomAD compares: Middle Eastern, 0.36%; 1 homozygote.

Submission:

PreventionGenetics, part of Exact Sciences
Classification: Likely benign for ADD1-related condition. Last evaluated: 2023-03-20. Review status: no assertion criteria provided. Collection method: clinical testing. Allele origin: germline.
Comment: This variant is classified as likely benign based on ACMG/AMP sequence variant interpretation guidelines (Richards et al. 2015 PMID: 25741868, with internal and published modifications).